The following is an entry in ClinVar:

ClinVar aggregate classification (germline): Uncertain significance. Review status: criteria provided, multiple submitters, no conflicts (2 of 4 stars). 4 submissions from 4 submitters: Uncertain significance (4). Last evaluated 2024-09-18.

Conditions:
Inborn genetic diseases. Identifiers: MedGen C0950123, MeSH D030342.

Allele frequency attached by ClinVar (database versions not stated): ExAC 0.00007; ESP Exome Variant Server 0.00008; gnomAD exomes 0.00008; gnomAD 0.00027 and 0.00029; 1000 Genomes Project 30x 0.00031; 1000 Genomes Project 0.00040; TOPMed 0.00054.
gnomAD v4.1: 104 of 1,614,190 alleles (0.0064%); highest among the groups gnomAD compares: Middle Eastern, 0.2%; 4 homozygotes.

Submissions (4):

Blueprint Genetics
Classification: Uncertain significance. Last evaluated: 2024-09-18. Review status: criteria provided, single submitter. Criteria: ACMG Guidelines, 2015. Collection method: clinical testing. Allele origin: germline.

Labcorp Genetics (formerly Invitae), Labcorp
Classification: Uncertain significance. Last evaluated: 2022-10-26. Review status: criteria provided, single submitter. Criteria: Invitae Variant Classification Sherloc (09022015). Collection method: clinical testing. Allele origin: germline.
Comment: This sequence change replaces arginine, which is basic and polar, with glutamine, which is neutral and polar, at codon 264 of the NANS protein (p.Arg264Gln). This variant is present in population databases (rs150891435, gnomAD 0.02%). This variant has not been reported in the literature in individuals affected with NANS-related conditions. ClinVar contains an entry for this variant (Variation ID: 1438751). Algorithms developed to predict the effect of missense changes on protein structure and function output the following: SIFT: "Tolerated"; PolyPhen-2: "Benign"; Align-GVGD: "Class C0". The glutamine amino acid residue is found in multiple mammalian species, which suggests that this missense change does not adversely affect protein function. In summary, the available evidence is currently insufficient to determine the role of this variant in disease. Therefore, it has been classified as a Variant of Uncertain Significance.

Ambry Genetics
Classification: Uncertain significance for Inborn genetic diseases. Last evaluated: 2021-10-22. Review status: criteria provided, single submitter. Criteria: Ambry Variant Classification Scheme 2023. Collection method: clinical testing. Allele origin: germline.

Breakthrough Genomics
Classification: Uncertain significance. Review status: criteria provided, single submitter. Criteria: ACMG Guidelines, 2015. Collection method: not provided. Allele origin: germline. Inheritance: Autosomal recessive inheritance. Affected: yes.

NM_018946.4(NANS):c.791G>A (p.Arg264Gln)

Genes: NANS (N-acetylneuraminate synthase; plus strand), TRIM14 (tripartite motif containing 14; minus strand). Cytogenetic location: 9q22.33.
Variant type: single nucleotide variant.
Coding change: c.791G>A on transcript NM_018946.4 (MANE Select); coding-DNA position 791, G replaced by A.
Protein change: p.Arg264Gln; replaces arginine 264 with glutamine.
Molecular consequence: missense variant.
Genome position (GRCh38, 1-based): chr9:98,081,003, G>A. VCF-style: chr9-98081003-G-A. GRCh37 (hg19) VCF-style: chr9-100843285-G-A.
Other names: c.791G>A (NM_018946.3); short protein forms R264Q.
Identifiers: ClinVar variation 1438751 (VCV001438751.6), dbSNP rs150891435, ClinGen allele CA5150387.